The following is an entry in ClinVar:

ClinVar aggregate classification (germline): Uncertain significance. Review status: criteria provided, multiple submitters, no conflicts (2 of 4 stars). 2 submissions from 2 submitters: Uncertain significance (2). Last evaluated 2025-04-02.

Conditions:
Familial cancer of breast. Also called: hereditary breast carcinoma; Hereditary breast cancer; BREAST CANCER, FAMILIAL. Identifiers: Orphanet 227535, MedGen C0346153, MONDO:0016419, OMIM 114480. Disease mechanism: loss of function.
Hereditary cancer-predisposing syndrome. Also called: Tumor predisposition; Hereditary neoplastic syndrome; Neoplastic Syndromes, Hereditary; Hereditary Cancer Syndrome. Identifiers: Orphanet 140162, MedGen C0027672, MeSH D009386, MONDO:0015356.

Submissions (2):

Labcorp Genetics (formerly Invitae), Labcorp
Classification: Uncertain significance for Familial cancer of breast. Last evaluated: 2025-04-02. Review status: criteria provided, single submitter. Criteria: Invitae Variant Classification Sherloc (09022015). Collection method: clinical testing. Allele origin: germline.
Comment: This sequence change replaces serine, which is neutral and polar, with asparagine, which is neutral and polar, at codon 344 of the BARD1 protein (p.Ser344Asn). This variant is not present in population databases (gnomAD no frequency). This variant has not been reported in the literature in individuals affected with BARD1-related conditions. ClinVar contains an entry for this variant (Variation ID: 818280). An algorithm developed to predict the effect of missense changes on protein structure and function (PolyPhen-2) suggests that this variant is likely to be tolerated. In summary, the available evidence is currently insufficient to determine the role of this variant in disease. Therefore, it has been classified as a Variant of Uncertain Significance.

Ambry Genetics
Classification: Uncertain significance for Hereditary cancer-predisposing syndrome. Last evaluated: 2018-02-07. Review status: criteria provided, single submitter. Criteria: Ambry Variant Classification Scheme 2023. Collection method: clinical testing. Allele origin: germline.

NM_000465.4(BARD1):c.1031G>A (p.Ser344Asn)

Gene: BARD1 (BRCA1 associated RING domain 1; minus strand). Cytogenetic location: 2q35.
Variant type: single nucleotide variant.
Coding change: c.1031G>A on transcript NM_000465.4 (MANE Select); coding-DNA position 1031, G replaced by A.
Protein change: p.Ser344Asn; replaces serine 344 with asparagine.
Molecular consequence: missense variant. On other transcripts: non-coding transcript variant (2), intron variant (3).
Genome position (GRCh38, 1-based): chr2:214,780,843, C>T on the plus strand (G>A on the coding strand, the complement: BARD1 is on the minus strand). VCF-style: chr2-214780843-C-T. GRCh37 (hg19) VCF-style: chr2-215645567-C-T.
Other names: c.974G>A, p.Ser325Asn (NM_001282543.2); c.159-28288G>A (NM_001282548.2); c.215+16218G>A (NM_001282545.2); c.364+11454G>A (NM_001282549.2); short protein forms S325N, S344N.
Identifiers: ClinVar variation 818280 (VCV000818280.15), dbSNP rs1559424187, ClinGen allele CA350454263.
Genomic context (GRCh38, chr2:214,780,843, plus strand): 5'-GAAGAACATTCAGGCAATGGTATATTTTCTGAGGGCACCGTTTGCTTAACAAAATCTCCA[C>T]TGGTGCTCAGAATGCTGGTTCTACATCTCTTAGAAATGGGACTGGAAAGTCTATTGTGAT-3'
Protein context (NP_000456.2, residues 334-354): KRCRTSILST[Ser344Asn]GDFVKQTVPS